The following is an entry in ClinVar:

ClinVar aggregate classification (germline): Uncertain significance (1 of 4 stars; one submission).

Conditions:
Congenital brain dysgenesis due to glutamine synthetase deficiency (GLND). Also called: GLUTAMINE SYNTHASE DEFICIENCY, CONGENITAL SYSTEMIC. Identifiers: Orphanet 71278, MedGen C1864910, MONDO:0012393, OMIM 610015.

Submission:

Laboratorio de Genetica e Diagnostico Molecular, Hospital Israelita Albert Einstein
Classification: Uncertain significance for Congenital brain dysgenesis due to glutamine synthetase deficiency. Last evaluated: 2026-03-13. Review status: criteria provided, single submitter. Criteria: ACMG Guidelines, 2015. Collection method: clinical testing. Allele origin: germline. Affected: yes.
Comment: ACMG classification criteria: PM2 supporting, PP2 supporting, PP3 supporting

NM_001033044.4(GLUL):c.608A>T (p.Glu203Val)

Gene: GLUL (glutamate-ammonia ligase; minus strand). Cytogenetic location: 1q25.3.
Variant type: single nucleotide variant.
Coding change: c.608A>T on transcript NM_001033044.4 (MANE Select); coding-DNA position 608, A replaced by T.
Protein change: p.Glu203Val; replaces glutamic acid 203 with valine.
Molecular consequence: missense variant.
Genome position (GRCh38, 1-based): chr1:182,385,552, T>A on the plus strand (A>T on the coding strand, the complement: GLUL is on the minus strand). VCF-style: chr1-182385552-T-A. GRCh37 (hg19) VCF-style: chr1-182354687-T-A.
Other names: c.608A>T, p.Glu203Val (NM_001033056.4, NM_002065.7); short protein forms E203V.
Identifiers: ClinVar variation 4846800 (VCV004846800.1).
Genomic context (GRCh38, chr1:182,385,552, plus strand): 5'-AAACGGGCCACCCAGAGATGATCTCCCATGCTGATTCCTTCACAAGGTCCAATCTGAAAT[T>A]CCCACTAGAAACGAGAAGCTTGGCCATTAAAACAAAGCTAACTGCTCACTCCAACTCAGA-3'
Protein context (NP_001028216.1, residues 193-213): TNAEVMPAQW[Glu203Val]FQIGPCEGIS